The following is an entry in ClinVar:

NM_001458.5(FLNC):c.302_306delinsTGT (p.Ser101fs)

Gene: FLNC (filamin C; plus strand). Cytogenetic location: 7q32.1.
Variant type: Indel.
Coding change: c.302_306delinsTGT on transcript NM_001458.5 (MANE Select); coding-DNA positions 302 to 306, CCGTG replaced by TGT.
Protein change: p.Ser101fs; shifts the reading frame from serine 101.
Molecular consequence: frameshift variant.
Genome position (GRCh38, 1-based): chr7:128,830,939-128,830,943, CCGTG replaced by TGT. VCF-style: chr7-128830939-CCGTG-TGT. GRCh37 (hg19) VCF-style: chr7-128470993-CCGTG-TGT.
Other names: c.302_306delinsTGT, p.Ser101fs (NM_001127487.2); short protein forms S101fs.
Identifiers: ClinVar variation 2585962 (VCV002585962.3), dbSNP rs2536605694, ClinGen allele CA2582341950.
Genomic context (GRCh38, chr7:128,830,939, plus strand): 5'-GCATGTACCGCAAGTTCCATCCGCGCCCCAACTTCCGCCAAATGAAGCTGGAGAACGTGT[CCGTG>TGT]GCCCTCGAGTTCCTCGAGCGCGAGCACATCAAGCTCGTGTCCATAGGTCAGTGCCGGGGG-3'

ClinVar aggregate classification (germline): Pathogenic/Likely pathogenic. Review status: criteria provided, multiple submitters, no conflicts (2 of 4 stars). 2 submissions from 2 submitters: Pathogenic (1); Likely pathogenic (1). Last evaluated 2024-06-20.

Conditions:
FLNC-related disorder. Also called: FLNC-related condition; FLNC-related disorders.
Cardiovascular phenotype. Identifiers: MedGen CN230736.

Submissions (2):

Blueprint Genetics
Classification: Likely pathogenic for FLNC-related disorders. Last evaluated: 2024-06-20. Review status: criteria provided, single submitter. Criteria: ACMG Guidelines, 2015. Collection method: clinical testing. Allele origin: germline. Affected: yes. Observed: 1 variant allele.

Ambry Genetics
Classification: Pathogenic for Cardiovascular phenotype. Last evaluated: 2023-08-14. Review status: criteria provided, single submitter. Criteria: Ambry Variant Classification Scheme 2023. Collection method: clinical testing. Allele origin: germline.
Comment: The c.302_306delCCGTGinsTGT pathogenic mutation, located in coding exon 1 of the FLNC gene, results from the deletion of 5 nucleotides and insertion of 3 nucleotides causing a translational frameshift with a predicted alternate stop codon (p.S101Lfs*50). This variant is considered to be rare based on population cohorts in the Genome Aggregation Database (gnomAD). This alteration is expected to result in loss of function by premature protein truncation or nonsense-mediated mRNA decay. Based on the supporting evidence, this variant is expected to be causative of FLNC-related dilated cardiomyopathy; however, its clinical significance for FLNC-related hypertrophic/restrictive cardiomyopathy and/or skeletal myopathy is unclear.